The following is an entry in ClinVar:

ClinVar aggregate classification (germline): Uncertain significance. Review status: criteria provided, multiple submitters, no conflicts (2 of 4 stars). 2 submissions from 2 submitters: Uncertain significance (2). Last evaluated 2025-04-18.

Conditions:
Inborn genetic diseases. Identifiers: MedGen C0950123, MeSH D030342.
Dyskeratosis congenita, autosomal recessive 5 (DKCB5). Identifiers: MedGen C3554656, MONDO:0014076, OMIM 615190.
Pulmonary fibrosis and/or bone marrow failure, Telomere-related, 3. Also called: PULMONARY FIBROSIS AND/OR BONE MARROW FAILURE SYNDROME, TELOMERE-RELATED, 3. Identifiers: Orphanet 2032, MedGen C4225346, MONDO:0014613, OMIM 616373.

Submissions (2):

Ambry Genetics
Classification: Uncertain significance for Inborn genetic diseases. Last evaluated: 2025-04-18. Review status: criteria provided, single submitter. Criteria: Ambry Variant Classification Scheme 2023. Collection method: clinical testing. Allele origin: germline.
Comment: The p.Q1274R variant (also known as c.3821A>G), located in coding exon 33 of the RTEL1 gene, results from an A to G substitution at nucleotide position 3821. The glutamine at codon 1274 is replaced by arginine, an amino acid with highly similar properties. This amino acid position is conserved. In addition, this alteration is predicted to be tolerated by in silico analysis. Based on the available evidence, the clinical significance of this variant remains unclear.

Labcorp Genetics (formerly Invitae), Labcorp
Classification: Uncertain significance for Dyskeratosis congenita, autosomal recessive 5; Pulmonary fibrosis and/or bone marrow failure, Telomere-related, 3. Last evaluated: 2022-07-29. Review status: criteria provided, single submitter. Criteria: Invitae Variant Classification Sherloc (09022015). Collection method: clinical testing. Allele origin: germline.
Comment: This sequence change replaces glutamine, which is neutral and polar, with arginine, which is basic and polar, at codon 1274 of the RTEL1 protein (p.Gln1274Arg). This variant is not present in population databases (gnomAD no frequency). This variant has not been reported in the literature in individuals affected with RTEL1-related conditions. Algorithms developed to predict the effect of missense changes on protein structure and function (SIFT, PolyPhen-2, Align-GVGD) all suggest that this variant is likely to be tolerated. Algorithms developed to predict the effect of sequence changes on RNA splicing suggest that this variant may disrupt the consensus splice site. In summary, the available evidence is currently insufficient to determine the role of this variant in disease. Therefore, it has been classified as a Variant of Uncertain Significance.

NM_001283009.2(RTEL1):c.3821A>G (p.Gln1274Arg)

Genes: RTEL1 (regulator of telomere elongation helicase 1; plus strand), RTEL1-TNFRSF6B (RTEL1-TNFRSF6B readthrough (NMD candidate); plus strand). Cytogenetic location: 20q13.33.
Variant type: single nucleotide variant.
Coding change: c.3821A>G on transcript NM_001283009.2 (MANE Select); coding-DNA position 3821, A replaced by G.
Protein change: p.Gln1274Arg; replaces glutamine 1274 with arginine.
Molecular consequence: missense variant. On other transcripts: non-coding transcript variant (1), intron variant (3).
Genome position (GRCh38, 1-based): chr20:63,695,649, A>G. VCF-style: chr20-63695649-A-G. GRCh37 (hg19) VCF-style: chr20-62327002-A-G.
Other names: c.2984-129A>G (NM_001283010.1); c.3725-129A>G (NM_032957.5); c.3653-129A>G (NM_016434.4); short protein forms Q1274R.
Identifiers: ClinVar variation 1714067 (VCV001714067.7), dbSNP rs2517205288, ClinGen allele CA409710378.